The following is an entry in ClinVar:

NM_004415.4(DSP):c.1513G>T (p.Val505Phe)

Gene: DSP (desmoplakin; plus strand). Cytogenetic location: 6p24.3.
Variant type: single nucleotide variant.
Coding change: c.1513G>T on transcript NM_004415.4 (MANE Select); coding-DNA position 1513, G replaced by T.
Protein change: p.Val505Phe; replaces valine 505 with phenylalanine.
Molecular consequence: missense variant.
Genome position (GRCh38, 1-based): chr6:7,569,279, G>T. VCF-style: chr6-7569279-G-T. GRCh37 (hg19) VCF-style: chr6-7569512-G-T.
Other names: p.V505F:GTT>TTT; c.1513G>T (LRG_423t1); c.1513G>T, p.Val505Phe (NM_001008844.3, NM_001319034.2); short protein forms V505F.
Identifiers: ClinVar variation 199862 (VCV000199862.2), dbSNP rs794728113, ClinGen allele CA004994.

ClinVar aggregate classification (germline): Likely pathogenic (1 of 4 stars; one submission).

Allele frequency attached by ClinVar (database versions not stated): gnomAD 0.00001; TOPMed 0.00001.
gnomAD v4.1: 1 of 1,614,038 alleles (0.000062%); highest among the groups gnomAD compares: African/African-American, 0.0013%; no homozygotes.

Submission:

GeneDx
Classification: Likely pathogenic. Last evaluated: 2014-07-09. Review status: criteria provided, single submitter. Criteria: GeneDx Variant Classification (06012015). Collection method: clinical testing. Allele origin: germline. Affected: yes.
Comment: p.Val505Phe (GTT>TTT): c.1513 G>T in exon 12 of the DSP gene (NM_004415.2). A V505F variant that is likely pathogenic was identified in the DSP gene. It has not been published as a mutation, nor has it been reported as a benign polymorphism to our knowledge. The V505F variant was not observed in approximately 6,500 individuals of European and African American ancestry in the NHLBI Exome Sequencing Project, indicating it is not a common benign variant in these populations. The V505F variant is a semi-conservative amino acid substitution, which may impact secondary protein structure as these residues differ in some properties. This substitution occurs at a position that is conserved in mammals. In silico analysis predicts this variant is probably damaging to the protein structure/function. Furthermore, missense mutations in nearby residues (Y494F, S507F) have been reported in association with arrhythmogenic cardiomyopathy, supporting the functional importance of this region of the protein. Therefore, this variant is a strong candidate for a pathogenic mutation, however the possibility that it is a benign variant cannot be excluded. The variant is found in CARDIOMYOPATHY panel(s).